The following is an entry in ClinVar:

NM_022082.4(SLC17A9):c.1305C>T (p.Asp435=)

Gene: SLC17A9 (solute carrier family 17 member 9; plus strand). Cytogenetic location: 20q13.33.
Variant type: single nucleotide variant.
Coding change: c.1305C>T on transcript NM_022082.4 (MANE Select); coding-DNA position 1305, C replaced by T.
Protein change: p.Asp435=; no amino-acid change (aspartic acid 435 retained).
Molecular consequence: synonymous variant.
Genome position (GRCh38, 1-based): chr20:62,967,494, C>T. VCF-style: chr20-62967494-C-T. GRCh37 (hg19) VCF-style: chr20-61598846-C-T.
Other names: c.1287C>T, p.Asp429= (NM_001302643.2).
Identifiers: ClinVar variation 3046228 (VCV003046228.2), dbSNP rs562137249, ClinGen allele CA9953331.

ClinVar aggregate classification (germline): Likely benign (0 of 4 stars; one submission).

Conditions:
SLC17A9-related disorder. Also called: SLC17A9-related condition.

Allele frequency attached by ClinVar (database versions not stated): TOPMed 0.00004; gnomAD 0.00005; gnomAD exomes 0.00007; ExAC 0.00013; 1000 Genomes Project 30x 0.00016; 1000 Genomes Project 0.00020.
gnomAD v4.1: 119 of 1,613,494 alleles (0.0074%); highest among the groups gnomAD compares: South Asian, 0.077%; no homozygotes.

Submission:

PreventionGenetics, part of Exact Sciences
Classification: Likely benign for SLC17A9-related condition. Last evaluated: 2019-10-28. Review status: no assertion criteria provided. Collection method: clinical testing. Allele origin: germline.
Comment: This variant is classified as likely benign based on ACMG/AMP sequence variant interpretation guidelines (Richards et al. 2015 PMID: 25741868, with internal and published modifications).